The following is an entry in ClinVar:

NM_024675.4(PALB2):c.2489A>G (p.Glu830Gly)

Gene: PALB2 (partner and localizer of BRCA2; minus strand). Cytogenetic location: 16p12.2.
Variant type: single nucleotide variant.
Coding change: c.2489A>G on transcript NM_024675.4 (MANE Select); coding-DNA position 2489, A replaced by G.
Protein change: p.Glu830Gly; replaces glutamic acid 830 with glycine.
Molecular consequence: missense variant.
Genome position (GRCh38, 1-based): chr16:23,629,665, T>C on the plus strand (A>G on the coding strand, the complement: PALB2 is on the minus strand). VCF-style: chr16-23629665-T-C. GRCh37 (hg19) VCF-style: chr16-23640986-T-C.
Other names: short protein forms E830G.
Identifiers: ClinVar variation 1476417 (VCV001476417.9), dbSNP rs756800333, ClinGen allele CA395124004.

ClinVar aggregate classification (germline): Uncertain significance (1 of 4 stars; one submission).

Conditions:
Familial cancer of breast. Also called: hereditary breast carcinoma; BREAST CANCER, FAMILIAL; Hereditary breast cancer. Identifiers: Orphanet 227535, MedGen C0346153, MONDO:0016419, OMIM 114480. Disease mechanism: loss of function.

Submission:

Labcorp Genetics (formerly Invitae), Labcorp
Classification: Uncertain significance for Familial cancer of breast. Last evaluated: 2021-07-15. Review status: criteria provided, single submitter. Criteria: Invitae Variant Classification Sherloc (09022015). Collection method: clinical testing. Allele origin: germline.
Comment: This sequence change replaces glutamic acid with glycine at codon 830 of the PALB2 protein (p.Glu830Gly). The glutamic acid residue is moderately conserved and there is a moderate physicochemical difference between glutamic acid and glycine. This variant is not present in population databases (ExAC no frequency). This variant has not been reported in the literature in individuals affected with PALB2-related conditions. Algorithms developed to predict the effect of missense changes on protein structure and function output the following: SIFT: "Tolerated"; PolyPhen-2: "Benign"; Align-GVGD: "Class C0". The glycine amino acid residue is found in multiple mammalian species, which suggests that this missense change does not adversely affect protein function. In summary, the available evidence is currently insufficient to determine the role of this variant in disease. Therefore, it has been classified as a Variant of Uncertain Significance.